The following is an entry in ClinVar:

ClinVar aggregate classification (germline): Uncertain significance (1 of 4 stars; one submission).

Conditions:
Chromosome 2q32-q33 deletion syndrome (GLASS). Also called: Glass syndrome; 2q33.1 deletion syndrome. Identifiers: Orphanet 251019, MedGen C2676739, MONDO:0012864, OMIM 612313.

Submission:

Labcorp Genetics (formerly Invitae), Labcorp
Classification: Uncertain significance for Chromosome 2q32-q33 deletion syndrome. Last evaluated: 2025-07-23. Review status: criteria provided, single submitter. Criteria: Invitae Variant Classification Sherloc (09022015). Collection method: clinical testing. Allele origin: germline.
Comment: This sequence change replaces tyrosine, which is neutral and polar, with cysteine, which is neutral and slightly polar, at codon 711 of the SATB2 protein (p.Tyr711Cys). This variant is not present in population databases (gnomAD no frequency). This variant has not been reported in the literature in individuals affected with SATB2-related conditions. Invitae Evidence Modeling of protein sequence and biophysical properties (such as structural, functional, and spatial information, amino acid conservation, physicochemical variation, residue mobility, and thermodynamic stability) indicates that this missense variant is not expected to disrupt SATB2 protein function with a negative predictive value of 80%. In summary, the available evidence is currently insufficient to determine the role of this variant in disease. Therefore, it has been classified as a Variant of Uncertain Significance.

NM_001172509.2(SATB2):c.2132A>G (p.Tyr711Cys)

Genes: SATB2 (SATB homeobox 2; minus strand), LOC126806462 (MED14-independent group 3 enhancer GRCh37_chr2:200136608-200137807; plus strand). Cytogenetic location: 2q33.1.
Variant type: single nucleotide variant.
Coding change: c.2132A>G on transcript NM_001172509.2 (MANE Select); coding-DNA position 2132, A replaced by G.
Protein change: p.Tyr711Cys; replaces tyrosine 711 with cysteine.
Molecular consequence: missense variant.
Genome position (GRCh38, 1-based): chr2:199,272,281, T>C on the plus strand (A>G on the coding strand, the complement: SATB2 is on the minus strand). VCF-style: chr2-199272281-T-C. GRCh37 (hg19) VCF-style: chr2-200137004-T-C.
Other names: c.2132A>G, p.Tyr711Cys (NM_001172517.1, NM_015265.4); short protein forms Y711C.
Identifiers: ClinVar variation 4735558 (VCV004735558.1).
Genomic context (GRCh38, chr2:199,272,281, plus strand): 5'-TCAATTTCGGCAGGTGCTGCCTTGCTTTTGTCAGCATTTTCCTCCTCAGCCTCCACTTTG[T>C]ACATCTCCTCGGAGCCTTCCTCGCTGTCGTTCTCCTCTGACTCGGTCAGCAGCTCCTCGT-3'
Protein context (NP_001165980.1, residues 701-721): NDSEEGSEEM[Tyr711Cys]KVEAEEENAD